The following is an entry in ClinVar:

ClinVar aggregate classification (germline): Pathogenic. Review status: criteria provided, multiple submitters, no conflicts (2 of 4 stars). 2 submissions from 2 submitters: Pathogenic (2). Last evaluated 2020-12-04.

Submissions (2):

Labcorp Genetics (formerly Invitae), Labcorp
Classification: Pathogenic. Last evaluated: 2020-12-04. Review status: criteria provided, single submitter. Criteria: Invitae Variant Classification Sherloc (09022015). Collection method: clinical testing. Allele origin: germline.
Comment: For these reasons, this variant has been classified as Pathogenic. This variant has been observed in individual(s) with Stargardt disease(PMID: 28885670). ClinVar contains an entry for this variant (Variation ID: 282140). This variant is not present in population databases (ExAC no frequency). This sequence change creates a premature translational stop signal (p.Val2062Thrfs*52) in the ABCA4 gene. It is expected to result in an absent or disrupted protein product. Loss-of-function variants in ABCA4 are known to be pathogenic (PMID: 10958761, 24938718, 25312043, 26780318).

Eurofins Ntd Llc (ga)
Classification: Pathogenic. Last evaluated: 2015-08-10. Review status: criteria provided, single submitter. Criteria: EGL Classification Definitions 2015. Collection method: clinical testing. Allele origin: germline. Observed: 2 variant alleles, 2 heterozygotes.

Literature cited by the submitters: PubMed 28885670 (cited by Labcorp Genetics (formerly Invitae), Labcorp); PubMed 10958761 (cited by Labcorp Genetics (formerly Invitae), Labcorp); PubMed 24938718 (cited by Labcorp Genetics (formerly Invitae), Labcorp); PubMed 25312043 (cited by Labcorp Genetics (formerly Invitae), Labcorp); PubMed 26780318 (cited by Labcorp Genetics (formerly Invitae), Labcorp).

NM_000350.3(ABCA4):c.6184_6187del (p.Val2062fs)

Gene: ABCA4 (ATP binding cassette subfamily A member 4; minus strand). Cytogenetic location: 1p22.1.
Variant type: Deletion.
Coding change: c.6184_6187del on transcript NM_000350.3 (MANE Select); coding-DNA positions 6184 to 6187, 4 bases deleted (GTCT; older notation c.6184_6187delGTCT).
Protein change: p.Val2062fs; shifts the reading frame from valine 2062.
Molecular consequence: frameshift variant.
Genome position (GRCh38, 1-based): chr1:94,001,953-94,001,956, AGAC deleted on the plus strand (GTCT on the coding strand, the reverse complement: ABCA4 is on the minus strand); deleting any 4 consecutive bases within chr1:94,001,953-94,001,958 gives the same sequence; the c. name uses the placement nearest the transcript's 3' end. VCF-style (leftmost placement, unchanged base first): chr1-94001952-TAGAC-T. GRCh37 (hg19) VCF-style: chr1-94467508-TAGAC-T.
Other names: c.5960_5963delCTGT, p.Val1988Thrfs (NM_001425324.1); short protein forms V2062fs.
Identifiers: ClinVar variation 282140 (VCV000282140.12), dbSNP rs886042319, ClinGen allele CA10604078.